The following is an entry in ClinVar:

NM_006063.3(KLHL41):c.1727_1728del (p.Lys576fs)

Gene: KLHL41 (kelch like family member 41; plus strand). Cytogenetic location: 2q31.1.
Variant type: Deletion.
Coding change: c.1727_1728del on transcript NM_006063.3 (MANE Select); coding-DNA positions 1727 to 1728, 2 bases deleted (AA; older notation c.1727_1728delAA).
Protein change: p.Lys576fs; shifts the reading frame from lysine 576.
Molecular consequence: frameshift variant.
Genome position (GRCh38, 1-based): chr2:169,525,602-169,525,603, AA deleted; deleting any 2 consecutive bases within chr2:169,525,598-169,525,603 gives the same sequence; the c. name uses the placement nearest the transcript's 3' end. VCF-style (leftmost placement, unchanged base first): chr2-169525597-TAA-T. GRCh37 (hg19) VCF-style: chr2-170382107-TAA-T.
Other names: short protein forms K576fs.
Identifiers: ClinVar variation 5017336 (VCV005017336.1).

ClinVar aggregate classification (germline): Uncertain significance (1 of 4 stars; one submission).

Submission:

GeneDx
Classification: Uncertain significance. Last evaluated: 2026-04-01. Review status: criteria provided, single submitter. Criteria: GeneDx Variant Classification Process June 2021. Collection method: clinical testing. Allele origin: germline.
Comment: Not observed at significant frequency in large population cohorts (gnomAD); Frameshift variant predicted to result in abnormal protein length as the last 31 amino acid(s) are replaced with 15 different amino acid(s); Has not been previously published as pathogenic or benign to our knowledge